The following is an entry in ClinVar:

NM_000343.4(SLC5A1):c.70C>T (p.Arg24Cys)

Gene: SLC5A1 (solute carrier family 5 member 1; plus strand). Cytogenetic location: 22q12.3.
Variant type: single nucleotide variant.
Coding change: c.70C>T on transcript NM_000343.4 (MANE Select); coding-DNA position 70, C replaced by T.
Protein change: p.Arg24Cys; replaces arginine 24 with cysteine.
Molecular consequence: missense variant.
Genome position (GRCh38, 1-based): chr22:32,043,351, C>T. VCF-style: chr22-32043351-C-T. GRCh37 (hg19) VCF-style: chr22-32439338-C-T.
Other names: short protein forms R24C.
Identifiers: ClinVar variation 903162 (VCV000903162.10), dbSNP rs201800716, ClinGen allele CA10197828.
Genomic context (GRCh38, chr22:32,043,351, plus strand): 5'-AGCACCTGGAGCCCCAAGACCACCGCGGTCACCCGGCCTGTTGAGACCCACGAGCTCATT[C>T]GCAATGCAGCCGATATCTCCATCATCGTTATCTACTTCGTGGTAGTGATGGCCGTCGGAC-3'
Protein context (NP_000334.1, residues 14-34): TRPVETHELI[Arg24Cys]NAADISIIVI

ClinVar aggregate classification (germline): Uncertain significance. Review status: criteria provided, multiple submitters, no conflicts (2 of 4 stars). 3 submissions from 3 submitters: Uncertain significance (3). Last evaluated 2024-07-21.

Conditions:
Congenital glucose-galactose malabsorption (GGM). Also called: DIARRHEA 16; MONOSACCHARIDE MALABSORPTION. Identifiers: Orphanet 35710, MedGen C0268186, MONDO:0011731, OMIM 606824.

Allele frequency attached by ClinVar (database versions not stated): gnomAD exomes 0.00011 and 0.00019; ExAC 0.00015; gnomAD 0.00015 and 0.00016; TOPMed 0.00018; ESP Exome Variant Server 0.00031.
gnomAD v4.1: 290 of 1,613,930 alleles (0.018%); highest among the groups gnomAD compares: Non-Finnish European, 0.023%; no homozygotes.

Submissions (3):

Labcorp Genetics (formerly Invitae), Labcorp
Classification: Uncertain significance for Congenital glucose-galactose malabsorption. Last evaluated: 2024-07-21. Review status: criteria provided, single submitter. Criteria: Invitae Variant Classification Sherloc (09022015). Collection method: clinical testing. Allele origin: germline.
Comment: This sequence change replaces arginine, which is basic and polar, with cysteine, which is neutral and slightly polar, at codon 24 of the SLC5A1 protein (p.Arg24Cys). This variant is present in population databases (rs201800716, gnomAD 0.02%). This variant has not been reported in the literature in individuals affected with SLC5A1-related conditions. ClinVar contains an entry for this variant (Variation ID: 903162). An algorithm developed to predict the effect of missense changes on protein structure and function (PolyPhen-2) suggests that this variant is likely to be disruptive. In summary, the available evidence is currently insufficient to determine the role of this variant in disease. Therefore, it has been classified as a Variant of Uncertain Significance.

Fulgent Genetics
Classification: Uncertain significance for Congenital glucose-galactose malabsorption. Last evaluated: 2022-04-14. Review status: criteria provided, single submitter. Criteria: ACMG Guidelines, 2015. Collection method: clinical testing. Allele origin: unknown.

Illumina Laboratory Services, Illumina
Classification: Uncertain significance for Congenital glucose-galactose malabsorption. Last evaluated: 2018-01-13. Review status: criteria provided, single submitter. Criteria: ICSL Variant Classification Criteria 13 December 2019. Collection method: clinical testing. Allele origin: germline.